The following is an entry in ClinVar:

ClinVar aggregate classification (germline): Likely benign (1 of 4 stars; one submission).

gnomAD v4.1: 9 of 1,527,210 alleles (0.00059%); highest among the groups gnomAD compares: Non-Finnish European, 0.0008%; no homozygotes.

Submission:

Center for Genomic Medicine, Rigshospitalet, Copenhagen University Hospital
Classification: Likely benign. Last evaluated: 2025-12-29. Review status: criteria provided, single submitter. Criteria: ACMG Guidelines, 2015. Collection method: clinical testing. Allele origin: germline.
Comment: Classification criteria: BP4, BP7

NM_000179.3(MSH6):c.4002-47C>T

Gene: MSH6 (mutS homolog 6; plus strand). Cytogenetic location: 2p16.3.
Variant type: single nucleotide variant.
Coding change: c.4002-47C>T on transcript NM_000179.3 (MANE Select); 47 bases into the intron before coding-DNA position 4002, C replaced by T.
Molecular consequence: intron variant.
Genome position (GRCh38, 1-based): chr2:47,806,732, C>T. VCF-style: chr2-47806732-C-T. GRCh37 (hg19) VCF-style: chr2-48033871-C-T.
Other names: c.4002-47C>T (NM_001406809.1, NM_001406796.1); c.3096-47C>T (NM_001406811.1, NM_001406814.1, NM_001281493.2 and 6 more transcripts); c.3705-47C>T (NM_001406805.1, NM_001406797.1, NM_001406818.1 and 8 more transcripts); c.4098-47C>T (NM_001406795.1); c.3898-47C>T (NM_001406802.1); c.4008-47C>T (NM_001406813.1); c.3477-47C>T (NM_001406807.1, NM_001406799.1, NM_001406806.1); c.4002-52C>T (NM_001406808.1); and 11 more.
Identifiers: ClinVar variation 4539395 (VCV004539395.1).